The following is an entry in ClinVar:

ClinVar aggregate classification (germline): Uncertain significance (1 of 4 stars; one submission).

Submission:

Ambry Genetics
Classification: Uncertain significance. Last evaluated: 2024-05-17. Review status: criteria provided, single submitter. Criteria: Ambry Variant Classification Scheme 2023. Collection method: clinical testing. Allele origin: germline.
Comment: The p.S1091P variant (also known as c.3271T>C), located in coding exon 20 of the PKP4 gene, results from a T to C substitution at nucleotide position 3271. The serine at codon 1091 is replaced by proline, an amino acid with similar properties. This amino acid position is conserved. In addition, the in silico prediction for this alteration is inconclusive. Based on the available evidence, the clinical significance of this variant remains unclear.

NM_003628.6(PKP4):c.3271T>C (p.Ser1091Pro)

Genes: PKP4 (plakophilin 4; plus strand), PKP4-AS1 (PKP4 antisense RNA 1; minus strand). Cytogenetic location: 2q24.1.
Variant type: single nucleotide variant.
Coding change: c.3271T>C on transcript NM_003628.6 (MANE Select); coding-DNA position 3271, T replaced by C.
Protein change: p.Ser1091Pro; replaces serine 1091 with proline.
Molecular consequence: missense variant.
Genome position (GRCh38, 1-based): chr2:158,678,595, T>C. VCF-style: chr2-158678595-T-C. GRCh37 (hg19) VCF-style: chr2-159535107-T-C.
Other names: c.3142T>C, p.Ser1048Pro (NM_001005476.4, NM_001377225.1); c.3268T>C, p.Ser1090Pro (NM_001304969.3, NM_001377219.1, NM_001377220.1 and 1 more transcripts); c.2242T>C, p.Ser748Pro (NM_001304970.3); c.3271T>C, p.Ser1091Pro (NM_001377218.1); c.3265T>C, p.Ser1089Pro (NM_001377222.1, NM_001377223.1); c.3262T>C, p.Ser1088Pro (NM_001377224.1); c.3139T>C, p.Ser1047Pro (NM_001377226.1); short protein forms S1047P, S1048P, S1088P, S748P, S1091P, S1089P, S1090P.
Identifiers: ClinVar variation 3307126 (VCV003307126.1).